The following is an entry in ClinVar:

NM_002335.4(LRP5):c.4488+9C>T

Gene: LRP5 (LDL receptor related protein 5; plus strand). Cytogenetic location: 11q13.2.
Variant type: single nucleotide variant.
Coding change: c.4488+9C>T on transcript NM_002335.4 (MANE Select); 9 bases into the intron after coding-DNA position 4488, C replaced by T.
Molecular consequence: intron variant.
Genome position (GRCh38, 1-based): chr11:68,439,925, C>T. VCF-style: chr11-68439925-C-T. GRCh37 (hg19) VCF-style: chr11-68207393-C-T.
Other names: c.2745+9C>T (NM_001291902.2); c.4488+9C>T (NM_002335.3).
Identifiers: ClinVar variation 1581734 (VCV001581734.11), dbSNP rs1237577919, ClinGen allele CA599955142.

ClinVar aggregate classification (germline): Likely benign. Review status: criteria provided, multiple submitters, no conflicts (2 of 4 stars). 4 submissions from 4 submitters: Likely benign (4). Last evaluated 2026-03-17.

Conditions:
LRP5-related disorder. Also called: LRP5-related condition.

Allele frequency attached by ClinVar (database versions not stated): gnomAD exomes 0.00003.
gnomAD v4.1: 14 of 471,778 alleles (0.003%); highest among the groups gnomAD compares: East Asian, 0.037%; no homozygotes.

Submissions (4):

PreventionGenetics, part of Exact Sciences
Classification: Likely benign for LRP5-related condition. Last evaluated: 2026-03-17. Review status: criteria provided, single submitter. Criteria: ACMG Guidelines, 2015. Collection method: clinical testing. Allele origin: germline.
Comment: This variant is classified as likely benign based on ACMG/AMP sequence variant interpretation guidelines (Richards et al. 2015 PMID: 25741868, with internal and published modifications).

Labcorp Genetics (formerly Invitae), Labcorp
Classification: Likely benign. Last evaluated: 2024-09-29. Review status: criteria provided, single submitter. Criteria: Invitae Variant Classification Sherloc (09022015). Collection method: clinical testing. Allele origin: germline.

Blueprint Genetics
Classification: Likely benign. Last evaluated: 2022-04-12. Review status: criteria provided, single submitter. Criteria: ACMG Guidelines, 2015. Collection method: clinical testing. Allele origin: germline.

Breakthrough Genomics
Classification: Likely benign. Review status: criteria provided, single submitter. Criteria: ACMG Guidelines, 2015. Collection method: not provided. Allele origin: germline. Inheritance: Autosomal recessive inheritance. Affected: yes.